The following is an entry in ClinVar:

NM_003001.5(SDHC):c.42C>T (p.Leu14=)

Gene: SDHC (succinate dehydrogenase complex subunit C; plus strand). Cytogenetic location: 1q23.3.
Variant type: single nucleotide variant.
Coding change: c.42C>T on transcript NM_003001.5 (MANE Select); coding-DNA position 42, C replaced by T.
Protein change: p.Leu14=; no amino-acid change (leucine 14 retained).
Molecular consequence: synonymous variant. On other transcripts: non-coding transcript variant (1), intron variant (4), 5 prime UTR variant (2).
Genome position (GRCh38, 1-based): chr1:161,323,635, C>T. VCF-style: chr1-161323635-C-T. GRCh37 (hg19) VCF-style: chr1-161293425-C-T.
Other names: c.21-4761C>T (NM_001407116.1, NM_001407121.1, NM_001407117.1); c.20+9210C>T (NM_001035513.3); c.42C>T, p.Leu14= (NM_001035511.3, NM_001035512.3, NM_001278172.3 and 2 more transcripts); c.-70C>T (NM_001407119.1); c.-188C>T (NM_001407120.1).
Identifiers: ClinVar variation 534380 (VCV000534380.16), dbSNP rs1331533952, ClinGen allele CA421407227.
Genomic context (GRCh38, chr1:161,323,635, plus strand): 5'-TCTAAATGTGTATTGATTTTTGATTCTCTTATCTTGCAGACACGTTGGTCGTCATTGCCT[C>T]CGAGCCCACTTTAGCCCTCAGCTCTGTATCAGAAAGTAAGTTTCTAAGTCTGGAGATTAT-3'
Protein context (NP_002992.1, residues 4-24): LLLRHVGRHC[Leu14=]RAHFSPQLCI

ClinVar aggregate classification (germline): Conflicting classifications of pathogenicity. Review status: criteria provided, conflicting classifications (1 of 4 stars). 5 submissions from 5 submitters: Uncertain significance (1); Benign (1); Likely benign (3). Last evaluated 2025-12-09.

Conditions:
Hereditary pheochromocytoma and paraganglioma. Also called: Hereditary pheochromocytoma-paraganglioma; Hereditary Paraganglioma-Pheochromocytoma Syndromes; Hereditary paragangliomas and pheochromocytomas. Identifiers: Orphanet 29072, MedGen C4274332, MONDO:0017366.
Pheochromocytoma/paraganglioma syndrome 3. Also called: GLOMUS TUMORS, FAMILIAL, 3; SDHC-Related Hereditary Paraganglioma-Pheochromocytoma Syndrome; Paragangliomas 3; SDHC-Related Hereditary Paraganglioma-Pheochromocytoma Syndrome (Paragangliomas 3). Identifiers: Orphanet 29072, MedGen C1854336, MONDO:0011544, OMIM 605373.
Gastrointestinal stromal tumor. Also called: Gastrointestinal stromal tumor, somatic; Gastrointestinal stroma tumor. Identifiers: Orphanet 44890, MedGen C0238198, MeSH D046152, MONDO:0011719, OMIM 606764, HP:0100723.
Hereditary cancer-predisposing syndrome. Also called: Hereditary neoplastic syndrome; Neoplastic Syndromes, Hereditary; Hereditary Cancer Syndrome; Tumor predisposition. Identifiers: Orphanet 140162, MedGen C0027672, MeSH D009386, MONDO:0015356.

Allele frequency attached by ClinVar (database versions not stated): gnomAD exomes below 0.00001 and 0.00001; TOPMed below 0.00001; gnomAD 0.00001.
gnomAD v4.1: 15 of 1,613,646 alleles (0.00093%); highest among the groups gnomAD compares: Non-Finnish European, 0.0013%; no homozygotes.

Submissions (5):

Labcorp Genetics (formerly Invitae), Labcorp
Classification: Likely benign for Pheochromocytoma/paraganglioma syndrome 3; Gastrointestinal stromal tumor. Last evaluated: 2025-12-09. Review status: criteria provided, single submitter. Criteria: Invitae Variant Classification Sherloc (09022015). Collection method: clinical testing. Allele origin: germline.

Myriad Genetics, Inc.
Classification: Benign for Pheochromocytoma/paraganglioma syndrome 3. Last evaluated: 2025-03-14. Review status: criteria provided, single submitter. Criteria: Myriad Autosomal Dominant, Autosomal Recessive and X-Linked Classification Criteria (2023). Collection method: clinical testing. Allele origin: unknown.
Comment: This variant is considered benign. This variant is a silent/synonymous amino acid change and it is not expected to impact splicing.

All of Us Research Program, National Institutes of Health
Classification: Likely benign for Hereditary pheochromocytoma and paraganglioma. Last evaluated: 2023-08-15. Review status: criteria provided, single submitter. Criteria: ACMG Guidelines, 2015. Collection method: clinical testing. Allele origin: germline. Inheritance: Autosomal dominant inheritance. Observed: 1 variant allele, 1 heterozygote.
Comment: This study involves interpretation of variants in research participants for the purpose of population health screening. Participant phenotype was not available at the time of variant classification. Additional details can be found in publication PMID: 35346344, PMCID: PMC8962531

GeneDx
Classification: Uncertain significance. Last evaluated: 2023-03-03. Review status: criteria provided, single submitter. Criteria: GeneDx Variant Classification Process June 2021. Collection method: clinical testing. Allele origin: germline. Affected: yes.
Comment: Not observed at significant frequency in large population cohorts (gnomAD); In silico analysis supports that this variant does not alter splicing; Has not been previously published as pathogenic or benign to our knowledge

Ambry Genetics
Classification: Likely benign for Hereditary cancer-predisposing syndrome. Last evaluated: 2020-08-13. Review status: criteria provided, single submitter. Criteria: Ambry Variant Classification Scheme 2023. Collection method: clinical testing. Allele origin: germline.